The following is an entry in ClinVar:

ClinVar aggregate classification (germline): Pathogenic (1 of 4 stars; one submission).

Conditions:
Neurofibromatosis, type 1 (NF1). Also called: NEUROFIBROMATOSIS, TYPE I, SOMATIC; VON RECKLINGHAUSEN DISEASE; Peripheral type neurofibromatosis; Neurofibromatosis, type I. Identifiers: Orphanet 636, MedGen C0027831, MONDO:0018975, OMIM 162200. Disease mechanism: loss of function.

Submission:

Labcorp Genetics (formerly Invitae), Labcorp
Classification: Pathogenic for Neurofibromatosis, type 1. Last evaluated: 2024-01-14. Review status: criteria provided, single submitter. Criteria: Invitae Variant Classification Sherloc (09022015). Collection method: clinical testing. Allele origin: germline.
Comment: This sequence change creates a premature translational stop signal (p.His2402Glnfs*5) in the NF1 gene. It is expected to result in an absent or disrupted protein product. Loss-of-function variants in NF1 are known to be pathogenic (PMID: 10712197, 23913538). This variant is not present in population databases (gnomAD no frequency). This variant has not been reported in the literature in individuals affected with NF1-related conditions. ClinVar contains an entry for this variant (Variation ID: 2064680). For these reasons, this variant has been classified as Pathogenic.

Literature cited by the submitters: PubMed 10712197; PubMed 23913538.

NM_001042492.3(NF1):c.7268dup (p.His2423fs)

Gene: NF1 (neurofibromin 1; plus strand). Cytogenetic location: 17q11.2.
Variant type: Duplication.
Coding change: c.7268dup on transcript NM_001042492.3 (MANE Select); coding-DNA position 7268, one base duplicated (A; older notation c.7268dupA).
Protein change: p.His2423fs; shifts the reading frame from histidine 2423.
Molecular consequence: frameshift variant.
Genome position (GRCh38, 1-based): chr17:31,349,198, A duplicated. VCF-style (leftmost placement, unchanged base first): chr17-31349197-C-CA. GRCh37 (hg19) VCF-style: chr17-29676215-C-CA.
Other names: c.7205dup, p.His2402Glnfs (NM_000267.4); short protein forms H2402fs, H2423fs.
Identifiers: ClinVar variation 2064680 (VCV002064680.4), dbSNP rs2508801340, ClinGen allele CA2580093335.